The following is an entry in ClinVar:

NM_000807.4(GABRA2):c.471C>A (p.Thr157=)

Gene: GABRA2 (gamma-aminobutyric acid type A receptor subunit alpha2; minus strand). Cytogenetic location: 4p12.
Variant type: single nucleotide variant.
Coding change: c.471C>A on transcript NM_000807.4 (MANE Select); coding-DNA position 471, C replaced by A.
Protein change: p.Thr157=; no amino-acid change (threonine 157 retained).
Molecular consequence: synonymous variant.
Genome position (GRCh38, 1-based): chr4:46,312,501, G>T on the plus strand (C>A on the coding strand, the complement: GABRA2 is on the minus strand). VCF-style: chr4-46312501-G-T. GRCh37 (hg19) VCF-style: chr4-46314518-G-T.
Other names: c.471C>A, p.Thr157= (NM_001114175.3, NM_001330690.2, NM_001377144.1 and 8 more transcripts); c.306C>A, p.Thr102= (NM_001286827.3, NM_001377152.1, NM_001377153.1 and 1 more transcripts).
Identifiers: ClinVar variation 3046650 (VCV003046650.2), dbSNP rs1727819653, ClinGen allele CA439237310.

ClinVar aggregate classification (germline): Likely benign (0 of 4 stars; one submission).

Conditions:
GABRA2-related disorder. Also called: GABRA2-related condition.

Allele frequency attached by ClinVar (database versions not stated): TOPMed below 0.00001; gnomAD 0.00001; gnomAD exomes 0.00002.
gnomAD v4.1: 15 of 1,597,888 alleles (0.00094%); highest among the groups gnomAD compares: Non-Finnish European, 0.0011%; no homozygotes.

Submission:

PreventionGenetics, part of Exact Sciences
Classification: Likely benign for GABRA2-related condition. Last evaluated: 2020-03-23. Review status: no assertion criteria provided. Collection method: clinical testing. Allele origin: germline.
Comment: This variant is classified as likely benign based on ACMG/AMP sequence variant interpretation guidelines (Richards et al. 2015 PMID: 25741868, with internal and published modifications).